The following is an entry in ClinVar:

NM_000038.6(APC):c.834+6275A>C

Gene: APC (APC regulator of WNT signaling pathway; plus strand). Cytogenetic location: 5q22.2.
Variant type: single nucleotide variant.
Coding change: c.834+6275A>C on transcript NM_000038.6 (MANE Select); 6275 bases into the intron after coding-DNA position 834, A replaced by C.
Molecular consequence: intron variant.
Genome position (GRCh38, 1-based): chr5:112,807,658, A>C. VCF-style: chr5-112807658-A-C. GRCh37 (hg19) VCF-style: chr5-112143355-A-C.
Other names: c.834+6275A>C (NM_001354895.2, NM_001127510.3, NM_001354896.2 and 1 more transcripts); c.864+6275A>C (NM_001354897.2, NM_001354902.2); c.780+6275A>C (NM_001127511.3); c.759+6275A>C (NM_001354898.2, NM_001354904.2); c.-201-2468A>C (NM_001354906.2); c.750+6275A>C (NM_001354899.2); c.657+6275A>C (NM_001354900.2, NM_001354901.2, NM_001354905.2).
Identifiers: ClinVar variation 82536 (VCV000082536.2), dbSNP rs75341445, ClinGen allele CA015011.

ClinVar aggregate classification (germline): other (0 of 4 stars; one submission).

Conditions:
Familial colorectal cancer. Identifiers: MedGen CN280943, MONDO:0023113. Disease mechanism: loss of function.

Submission:

Systems Biology Platform Zhejiang California International NanoSystems Institute
Classification: other for Familial colorectal cancer. Review status: no assertion criteria provided. Collection method: not provided. Allele origin: unknown.
ClinVar note: Converted during submission from cancer to other.